The following is an entry in ClinVar:

NM_001037171.2(ACOT9):c.934G>C (p.Glu312Gln)

Gene: ACOT9 (acyl-CoA thioesterase 9; minus strand). Cytogenetic location: Xp22.11.
Variant type: single nucleotide variant.
Coding change: c.934G>C on transcript NM_001037171.2 (MANE Select); coding-DNA position 934, G replaced by C.
Protein change: p.Glu312Gln; replaces glutamic acid 312 with glutamine.
Molecular consequence: missense variant.
Genome position (GRCh38, 1-based): chrX:23,705,594, C>G on the plus strand (G>C on the coding strand, the complement: ACOT9 is on the minus strand). VCF-style: chrX-23705594-C-G. GRCh37 (hg19) VCF-style: chrX-23723711-C-G.
Other names: NC_000023.10:g.23723711C>G; p.Glu312Gln; c.907G>C, p.Glu303Gln (NM_001033583.3); c.727G>C, p.Glu243Gln (NM_001330259.2); short protein forms E312Q, E303Q, E243Q.
Identifiers: ClinVar variation 4485156 (VCV004485156.2).

ClinVar aggregate classification (germline): Benign (1 of 4 stars; one submission).

gnomAD v4.1: 28,632 of 1,204,149 alleles (2.4%); highest among the groups gnomAD compares: Middle Eastern, 7%; 281 homozygotes.

Submissions 1 to 33 of 94:

Mayo Clinic Laboratories, Mayo Clinic
Classification: Benign. Last evaluated: 2021-12-02. Review status: criteria provided, single submitter. Criteria: ACMG Guidelines, 2015. Collection method: clinical testing. Allele origin: germline. Observed: 3 variant alleles.
Comment: BA1, BP4

Dr. Peter K. Rogan Lab, Western University
No classification provided (evidence only). Condition: Clear cell carcinoma of kidney. Review status: no classification provided. Collection method: in vitro. Allele origin: not applicable. Functional consequence: retained intron. Not counted in ClinVar's aggregate classification.

Dr. Peter K. Rogan Lab, Western University
No classification provided (evidence only). Condition: Clear cell carcinoma of kidney. Review status: no classification provided. Collection method: in vitro. Allele origin: not applicable. Functional consequence: skipped exon, retained intron. Not counted in ClinVar's aggregate classification.

Dr. Peter K. Rogan Lab, Western University
No classification provided (evidence only). Condition: Clear cell carcinoma of kidney. Review status: no classification provided. Collection method: in vitro. Allele origin: not applicable. Functional consequence: retained intron. Not counted in ClinVar's aggregate classification.

Dr. Peter K. Rogan Lab, Western University
No classification provided (evidence only). Condition: Clear cell carcinoma of kidney. Review status: no classification provided. Collection method: in vitro. Allele origin: not applicable. Functional consequence: cryptic splice site, skipped exon, retained intron. Not counted in ClinVar's aggregate classification.

Dr. Peter K. Rogan Lab, Western University
No classification provided (evidence only). Condition: Clear cell carcinoma of kidney. Review status: no classification provided. Collection method: in vitro. Allele origin: not applicable. Functional consequence: cryptic splice site, retained intron. Not counted in ClinVar's aggregate classification.

Dr. Peter K. Rogan Lab, Western University
No classification provided (evidence only). Condition: Clear cell carcinoma of kidney. Review status: no classification provided. Collection method: in vitro. Allele origin: not applicable. Functional consequence: cryptic splice site. Not counted in ClinVar's aggregate classification.

Dr. Peter K. Rogan Lab, Western University
No classification provided (evidence only). Condition: Clear cell carcinoma of kidney. Review status: no classification provided. Collection method: in vitro. Allele origin: not applicable. Functional consequence: cryptic splice site, retained intron. Not counted in ClinVar's aggregate classification.

Dr. Peter K. Rogan Lab, Western University
No classification provided (evidence only). Condition: Clear cell carcinoma of kidney. Review status: no classification provided. Collection method: in vitro. Allele origin: not applicable. Functional consequence: cryptic splice site, retained intron. Not counted in ClinVar's aggregate classification.

Dr. Peter K. Rogan Lab, Western University
No classification provided (evidence only). Condition: Clear cell carcinoma of kidney. Review status: no classification provided. Collection method: in vitro. Allele origin: not applicable. Functional consequence: cryptic splice site, retained intron. Not counted in ClinVar's aggregate classification.

Dr. Peter K. Rogan Lab, Western University
No classification provided (evidence only). Condition: Lung cancer. Review status: no classification provided. Collection method: in vitro. Allele origin: not applicable. Functional consequence: retained intron. Not counted in ClinVar's aggregate classification.

Dr. Peter K. Rogan Lab, Western University
No classification provided (evidence only). Condition: Lung cancer. Review status: no classification provided. Collection method: in vitro. Allele origin: not applicable. Functional consequence: retained intron. Not counted in ClinVar's aggregate classification.

Dr. Peter K. Rogan Lab, Western University
No classification provided (evidence only). Condition: Lung cancer. Review status: no classification provided. Collection method: in vitro. Allele origin: not applicable. Functional consequence: cryptic splice site, retained intron. Not counted in ClinVar's aggregate classification.

Dr. Peter K. Rogan Lab, Western University
No classification provided (evidence only). Condition: Lung cancer. Review status: no classification provided. Collection method: in vitro. Allele origin: not applicable. Functional consequence: retained intron. Not counted in ClinVar's aggregate classification.

Dr. Peter K. Rogan Lab, Western University
No classification provided (evidence only). Condition: Lung cancer. Review status: no classification provided. Collection method: in vitro. Allele origin: not applicable. Functional consequence: skipped exon. Not counted in ClinVar's aggregate classification.

Dr. Peter K. Rogan Lab, Western University
No classification provided (evidence only). Condition: Lung cancer. Review status: no classification provided. Collection method: in vitro. Allele origin: not applicable. Functional consequence: cryptic splice site, retained intron. Not counted in ClinVar's aggregate classification.

Dr. Peter K. Rogan Lab, Western University
No classification provided (evidence only). Condition: Lung cancer. Review status: no classification provided. Collection method: in vitro. Allele origin: not applicable. Functional consequence: retained intron. Not counted in ClinVar's aggregate classification.

Dr. Peter K. Rogan Lab, Western University
No classification provided (evidence only). Condition: Lung cancer. Review status: no classification provided. Collection method: in vitro. Allele origin: not applicable. Functional consequence: cryptic splice site, retained intron. Not counted in ClinVar's aggregate classification.

Dr. Peter K. Rogan Lab, Western University
No classification provided (evidence only). Condition: Lung cancer. Review status: no classification provided. Collection method: in vitro. Allele origin: not applicable. Functional consequence: retained intron. Not counted in ClinVar's aggregate classification.

Dr. Peter K. Rogan Lab, Western University
No classification provided (evidence only). Condition: Melanoma. Review status: no classification provided. Collection method: in vitro. Allele origin: not applicable. Functional consequence: cryptic splice site. Not counted in ClinVar's aggregate classification.

Dr. Peter K. Rogan Lab, Western University
No classification provided (evidence only). Condition: Melanoma. Review status: no classification provided. Collection method: in vitro. Allele origin: not applicable. Functional consequence: cryptic splice site, retained intron. Not counted in ClinVar's aggregate classification.

Dr. Peter K. Rogan Lab, Western University
No classification provided (evidence only). Condition: Melanoma. Review status: no classification provided. Collection method: in vitro. Allele origin: not applicable. Functional consequence: cryptic splice site. Not counted in ClinVar's aggregate classification.

Dr. Peter K. Rogan Lab, Western University
No classification provided (evidence only). Condition: Melanoma. Review status: no classification provided. Collection method: in vitro. Allele origin: not applicable. Functional consequence: cryptic splice site. Not counted in ClinVar's aggregate classification.

Dr. Peter K. Rogan Lab, Western University
No classification provided (evidence only). Condition: Melanoma. Review status: no classification provided. Collection method: in vitro. Allele origin: not applicable. Functional consequence: cryptic splice site, retained intron. Not counted in ClinVar's aggregate classification.

Dr. Peter K. Rogan Lab, Western University
No classification provided (evidence only). Condition: Melanoma. Review status: no classification provided. Collection method: in vitro. Allele origin: not applicable. Functional consequence: cryptic splice site, retained intron. Not counted in ClinVar's aggregate classification.

Dr. Peter K. Rogan Lab, Western University
No classification provided (evidence only). Condition: Melanoma. Review status: no classification provided. Collection method: in vitro. Allele origin: not applicable. Functional consequence: cryptic splice site, retained intron. Not counted in ClinVar's aggregate classification.

Dr. Peter K. Rogan Lab, Western University
No classification provided (evidence only). Condition: Acute myeloid leukemia. Review status: no classification provided. Collection method: in vitro. Allele origin: not applicable. Functional consequence: skipped exon, retained intron. Not counted in ClinVar's aggregate classification.

Dr. Peter K. Rogan Lab, Western University
No classification provided (evidence only). Condition: Acute myeloid leukemia. Review status: no classification provided. Collection method: in vitro. Allele origin: not applicable. Functional consequence: retained intron. Not counted in ClinVar's aggregate classification.

Dr. Peter K. Rogan Lab, Western University
No classification provided (evidence only). Condition: Colon adenocarcinoma. Review status: no classification provided. Collection method: in vitro. Allele origin: not applicable. Functional consequence: cryptic splice site, retained intron. Not counted in ClinVar's aggregate classification.

Dr. Peter K. Rogan Lab, Western University
No classification provided (evidence only). Condition: Colon adenocarcinoma. Review status: no classification provided. Collection method: in vitro. Allele origin: not applicable. Functional consequence: cryptic splice site, retained intron. Not counted in ClinVar's aggregate classification.

Dr. Peter K. Rogan Lab, Western University
No classification provided (evidence only). Condition: Colon adenocarcinoma. Review status: no classification provided. Collection method: in vitro. Allele origin: not applicable. Functional consequence: cryptic splice site, retained intron. Not counted in ClinVar's aggregate classification.

Dr. Peter K. Rogan Lab, Western University
No classification provided (evidence only). Condition: Colon adenocarcinoma. Review status: no classification provided. Collection method: in vitro. Allele origin: not applicable. Functional consequence: retained intron. Not counted in ClinVar's aggregate classification.

Dr. Peter K. Rogan Lab, Western University
No classification provided (evidence only). Condition: Colorectal cancer. Review status: no classification provided. Collection method: in vitro. Allele origin: not applicable. Functional consequence: retained intron. Not counted in ClinVar's aggregate classification.